The following is an entry in ClinVar:

NM_032638.5(GATA2):c.346_351del (p.Trp116_Thr117del)

Gene: GATA2 (GATA binding protein 2; minus strand). Cytogenetic location: 3q21.3.
Variant type: Deletion.
Coding change: c.346_351del on transcript NM_032638.5 (MANE Select); coding-DNA positions 346 to 351, 6 bases deleted (TGGACC; older notation c.346_351delTGGACC).
Protein change: p.Trp116_Thr117del.
Molecular consequence: inframe deletion.
Genome position (GRCh38, 1-based): chr3:128,486,247-128,486,252, GGTCCA deleted on the plus strand (TGGACC on the coding strand, the reverse complement: GATA2 is on the minus strand); deleting any 6 consecutive bases within chr3:128,486,247-128,486,254 gives the same sequence; the c. name uses the placement nearest the transcript's 3' end. VCF-style (leftmost placement, unchanged base first): chr3-128486246-CGGTCCA-C. GRCh37 (hg19) VCF-style: chr3-128205089-CGGTCCA-C.
Other names: c.346_351del, p.Trp116_Thr117del (NM_001145661.2, NM_001145662.1).
Identifiers: ClinVar variation 1338607 (VCV001338607.4), dbSNP rs2107672791, ClinGen allele CA2573052072.

ClinVar aggregate classification (germline): Uncertain significance (1 of 4 stars; one submission).

Submission:

Genetic Services Laboratory, University of Chicago
Classification: Uncertain significance. Last evaluated: 2020-09-28. Review status: criteria provided, single submitter. Criteria: ACMG Guidelines, 2015. Collection method: clinical testing. Allele origin: germline. Affected: no.
Comment: DNA sequence analysis of the GATA2 gene demonstrated a 6 base pair deletion in exon 3, c.346_351del. This in-frame deletion is predicted to result in the deletion of two amino acid residues, p.Trp116_Thr117del. This sequence change does not appear to have been previously described in patients with GATA2-related disorders and has also not been described in population databases (gnomAD, ExAC). The p.Trp116_Thr117del change is located in a domain of the GATA2 protein that is known to be functional. Due to the availability of limited information, the functional significance of this sequence change is not known at present and its contribution to a disease phenotype cannot definitively be determined.